The following is an entry in ClinVar:

NM_000969.5(RPL5):c.419G>A (p.Gly140Asp)

Genes: DIPK1A (divergent protein kinase domain 1A; minus strand), RPL5 (ribosomal protein L5; plus strand). Cytogenetic location: 1p22.1.
Variant type: single nucleotide variant.
Coding change: c.419G>A on transcript NM_000969.5 (MANE Select); coding-DNA position 419, G replaced by A.
Protein change: p.Gly140Asp; replaces glycine 140 with aspartic acid.
Molecular consequence: missense variant. On other transcripts: non-coding transcript variant (1), intron variant (1).
Genome position (GRCh38, 1-based): chr1:92,836,284, G>A. VCF-style: chr1-92836284-G-A. GRCh37 (hg19) VCF-style: chr1-93301841-G-A.
Other names: c.475-3250C>T (NM_001252273.2); short protein forms G140D.
Identifiers: ClinVar variation 1010598 (VCV001010598.9), dbSNP rs367631074, ClinGen allele CA341242190.

ClinVar aggregate classification (germline): Uncertain significance (1 of 4 stars; one submission).

Conditions:
Diamond-Blackfan anemia. Also called: Blackfan Diamond syndrome; Aregenerative anemia chronic congenital; Red cell aplasia, pure hereditary; Congenital hypoplastic anemia; Aase syndrome. Identifiers: Orphanet 124, MedGen C1260899, MeSH D029503, MONDO:0015253, HP:0004810.

Submission:

Labcorp Genetics (formerly Invitae), Labcorp
Classification: Uncertain significance for Diamond-Blackfan anemia. Last evaluated: 2020-09-15. Review status: criteria provided, single submitter. Criteria: Invitae Variant Classification Sherloc (09022015). Collection method: clinical testing. Allele origin: germline.
Comment: In summary, the available evidence is currently insufficient to determine the role of this variant in disease. Therefore, it has been classified as a Variant of Uncertain Significance. Algorithms developed to predict the effect of missense changes on protein structure and function (SIFT, PolyPhen-2, Align-GVGD) all suggest that this variant is likely to be tolerated, but these predictions have not been confirmed by published functional studies and their clinical significance is uncertain. This variant has not been reported in the literature in individuals with RPL5-related conditions. This variant is not present in population databases (ExAC no frequency). This sequence change replaces glycine with aspartic acid at codon 140 of the RPL5 protein (p.Gly140Asp). The glycine residue is highly conserved and there is a moderate physicochemical difference between glycine and aspartic acid.